The following is an entry in ClinVar:

NM_012193.4(FZD4):c.*3888G>A

Genes: FZD4 (frizzled class receptor 4; minus strand), PRSS23 (serine protease 23; plus strand). Cytogenetic location: 11q14.2.
Variant type: single nucleotide variant.
Coding change: c.*3888G>A on transcript NM_012193.4 (MANE Select); 3888 bases downstream of the stop codon, G replaced by A.
Molecular consequence: 3 prime UTR variant.
Genome position (GRCh38, 1-based): chr11:86,947,254, C>T on the plus strand (G>A on the coding strand, the complement: FZD4 is on the minus strand). VCF-style: chr11-86947254-C-T. GRCh37 (hg19) VCF-style: chr11-86658296-C-T.
Identifiers: ClinVar variation 306353 (VCV000306353.5), dbSNP rs541479825, ClinGen allele CA10631666.
Genomic context (GRCh38, chr11:86,947,254, plus strand): 5'-CCCTGTCTCAAACAAACAAACAAACAAACAAACAAACAAACAACAAAAAAAAGGTTCCTT[C>T]CAAAGTCTGTGCTCAATGGCTCCCTTCCCTAACTGCAGCTGTGGTCACCTCACCAGAAAT-3'

ClinVar aggregate classification (germline): Benign (1 of 4 stars; one submission).

Conditions:
Exudative vitreoretinopathy 1 (EVR1). Also called: CRISWICK-SCHEPENS SYNDROME; FEVR, AUTOSOMAL DOMINANT; Familial exudative vitreoretinopathy, autosomal dominant. Identifiers: Orphanet 891, Orphanet 90050, MedGen C1851402, MONDO:0007589, OMIM 133780.

Allele frequency attached by ClinVar (database versions not stated): gnomAD 0.00004 and 0.00005; TOPMed 0.00004; gnomAD exomes 0.00006; 1000 Genomes Project 30x 0.00031; 1000 Genomes Project 0.00040.
gnomAD v4.1: 9 of 169,692 alleles (0.0053%); highest among the groups gnomAD compares: East Asian, 0.14%; no homozygotes.

Submission:

Illumina Laboratory Services, Illumina
Classification: Benign for Exudative vitreoretinopathy 1. Last evaluated: 2018-01-12. Review status: criteria provided, single submitter. Criteria: ICSL Variant Classification Criteria 13 December 2019. Collection method: clinical testing. Allele origin: germline.
Comment: This variant was observed in the ICSL laboratory as part of a predisposition screen in an ostensibly healthy population. It had not been previously curated by ICSL or reported in the Human Gene Mutation Database (HGMD: prior to June 1st, 2018), and was therefore a candidate for classification through an automated scoring system. Utilizing variant allele frequency, disease prevalence and penetrance estimates, and inheritance mode, an automated score was calculated to assess if this variant is too frequent to cause the disease. Based on the score and internal cut-off values, a variant classified as benign is not then subjected to further curation. The score for this variant resulted in a classification of benign for this disease.